The following is an entry in ClinVar:

ClinVar aggregate classification (germline): Uncertain significance (1 of 4 stars; one submission).

Conditions:
Hereditary pancreatitis (PCTT). Also called: Hereditary chronic pancreatitis; PRSS1-Related Hereditary Pancreatitis. Identifiers: Orphanet 676, MedGen C0238339, MONDO:0008185, OMIM 167800.

gnomAD v4.1: 2 of 1,613,990 alleles (0.00012%); highest among the groups gnomAD compares: Non-Finnish European, 0.00017%; no homozygotes.

Submission:

Ambry Genetics
Classification: Uncertain significance for Hereditary pancreatitis. Last evaluated: 2025-12-13. Review status: criteria provided, single submitter. Criteria: Ambry Variant Classification Scheme 2023. Collection method: clinical testing. Allele origin: germline.
Comment: The p.V65F variant (also known as c.193G>T), located in coding exon 3 of the CPA1 gene, results from a G to T substitution at nucleotide position 193. The valine at codon 65 is replaced by phenylalanine, an amino acid with highly similar properties. This amino acid position is conserved. In addition, this alteration is predicted to be tolerated by in silico analysis. Since supporting evidence is limited at this time, the clinical significance of this alteration remains unclear.

NM_001868.4(CPA1):c.193G>T (p.Val65Phe)

Gene: CPA1 (carboxypeptidase A1; plus strand). Cytogenetic location: 7q32.2.
Variant type: single nucleotide variant.
Coding change: c.193G>T on transcript NM_001868.4 (MANE Select); coding-DNA position 193, G replaced by T.
Protein change: p.Val65Phe; replaces valine 65 with phenylalanine.
Molecular consequence: missense variant.
Genome position (GRCh38, 1-based): chr7:130,381,675, G>T. VCF-style: chr7-130381675-G-T. GRCh37 (hg19) VCF-style: chr7-130021516-G-T.
Other names: short protein forms V65F.
Identifiers: ClinVar variation 1783038 (VCV001783038.3), dbSNP rs782142627, ClinGen allele CA369279729.
Genomic context (GRCh38, chr7:130,381,675, plus strand): 5'-TCTTGTCCTCCCCAGCTGGACTTCTGGCGGGGGCCTGCCCACCCTGGCTCCCCCATCGAC[G>T]TCCGAGTGCCCTTCCCCAGCATCCAGGCGGTCAAGATCTTTCTGGAGTCCCACGGCATCA-3'
Protein context (NP_001859.1, residues 55-75): GPAHPGSPID[Val65Phe]RVPFPSIQAV